The following is an entry in ClinVar:

ClinVar aggregate classification (germline): Likely benign (1 of 4 stars; one submission).

Submission:

GeneDx
Classification: Likely benign. Last evaluated: 2020-01-06. Review status: criteria provided, single submitter. Criteria: GeneDx Variant Classification Process June 2021. Collection method: clinical testing. Allele origin: germline. Affected: yes.
Comment: See Variant Classification Assertion Criteria.

NM_004523.4(KIF11):c.1876-132_1876-131dup

Gene: KIF11 (kinesin family member 11; plus strand). Cytogenetic location: 10q23.33.
Variant type: Duplication.
Coding change: c.1876-132_1876-131dup on transcript NM_004523.4 (MANE Select); 132 bases into the intron before coding-DNA position 1876 through 131 bases into the intron before coding-DNA position 1876, 2 bases duplicated (AA; older notation c.1876-132_1876-131dupAA).
Molecular consequence: intron variant.
Genome position (GRCh38, 1-based): chr10:92,637,052-92,637,053, AA duplicated; duplicating any 2 consecutive bases within chr10:92,637,033-92,637,053 gives the same sequence; the c. name uses the placement nearest the transcript's 3' end. VCF-style (leftmost placement, unchanged base first): chr10-92637032-C-CAA. GRCh37 (hg19) VCF-style: chr10-94396789-C-CAA.
Identifiers: ClinVar variation 1698049 (VCV001698049.2), dbSNP rs66987236, ClinGen allele CA595637268.